The following is an entry in ClinVar:

NM_031885.5(BBS2):c.612+12C>A

Gene: BBS2 (Bardet-Biedl syndrome 2; minus strand). Cytogenetic location: 16q13.
Variant type: single nucleotide variant.
Coding change: c.612+12C>A on transcript NM_031885.5 (MANE Select); 12 bases into the intron after coding-DNA position 612, C replaced by A.
Molecular consequence: intron variant.
Genome position (GRCh38, 1-based): chr16:56,509,945, G>T on the plus strand (C>A on the coding strand, the complement: BBS2 is on the minus strand). VCF-style: chr16-56509945-G-T. GRCh37 (hg19) VCF-style: chr16-56543857-G-T.
Other names: c.612+12C>A (NM_001377456.1).
Identifiers: ClinVar variation 35756 (VCV000035756.18), dbSNP rs77019529, ClinGen allele CA260185.

ClinVar aggregate classification (germline): Benign. Review status: criteria provided, multiple submitters, no conflicts (2 of 4 stars). 8 submissions from 8 submitters: Benign (8). Last evaluated 2026-02-04.

Conditions:
Retinitis pigmentosa 74 (RP74). Identifiers: Orphanet 791, MedGen C4225281, MONDO:0014692, OMIM 616562.
Bardet-Biedl syndrome 2 (BBS2). Identifiers: Orphanet 110, MedGen C2936863, MONDO:0014432, OMIM 615981.
Bardet-Biedl syndrome (BBS). Identifiers: Orphanet 110, MedGen C0752166, MONDO:0015229.
Bardet-Biedl syndrome 1 (BBS1). Identifiers: MedGen C2936862, MONDO:0008854, OMIM 209900. Disease mechanism: loss of function.

Allele frequency attached by ClinVar (database versions not stated): gnomAD exomes 0.00431; gnomAD 0.01606 and 0.01713; TOPMed 0.01774; ExAC 0.00536; ESP Exome Variant Server 0.02085; 1000 Genomes Project 0.01757; 1000 Genomes Project 30x 0.01765.
gnomAD v4.1: 4,774 of 1,613,386 alleles (0.3%); highest among the groups gnomAD compares: African/African-American, 5.5%; 121 homozygotes.

Submissions (8):

Labcorp Genetics (formerly Invitae), Labcorp
Classification: Benign for Bardet-Biedl syndrome. Last evaluated: 2026-02-04. Review status: criteria provided, single submitter. Criteria: Invitae Variant Classification Sherloc (09022015). Collection method: clinical testing. Allele origin: germline.

Fulgent Genetics
Classification: Benign for Bardet-Biedl syndrome 2; Retinitis pigmentosa 74. Last evaluated: 2021-07-20. Review status: criteria provided, single submitter. Criteria: ACMG Guidelines, 2015. Collection method: clinical testing. Allele origin: unknown.

GeneDx
Classification: Benign. Last evaluated: 2021-05-11. Review status: criteria provided, single submitter. Criteria: GeneDx Variant Classification Process June 2021. Collection method: clinical testing. Allele origin: germline. Affected: yes.

Illumina Laboratory Services, Illumina
Classification: Benign for Bardet-Biedl syndrome 2. Last evaluated: 2018-01-13. Review status: criteria provided, single submitter. Criteria: ICSL Variant Classification Criteria 13 December 2019. Collection method: clinical testing. Allele origin: germline.
Comment: This variant was observed in the ICSL laboratory as part of a predisposition screen in an ostensibly healthy population. It had not been previously curated by ICSL or reported in the Human Gene Mutation Database (HGMD: prior to June 1st, 2018), and was therefore a candidate for classification through an automated scoring system. Utilizing variant allele frequency, disease prevalence and penetrance estimates, and inheritance mode, an automated score was calculated to assess if this variant is too frequent to cause the disease. Based on the score and internal cut-off values, a variant classified as benign is not then subjected to further curation. The score for this variant resulted in a classification of benign for this disease.

Clinical Genetics DNA and cytogenetics Diagnostics Lab, Erasmus MC, Erasmus Medical Center
Classification: Benign for Bardet-Biedl syndrome 1. Last evaluated: 2015-09-21. Review status: criteria provided, single submitter. Criteria: ACGS Guidelines, 2013. Collection method: clinical testing. Allele origin: germline. Affected: yes. Study: VKGL Data-share Consensus.

Genome Diagnostics Laboratory, University Medical Center Utrecht
Classification: Benign for Bardet-Biedl syndrome 1. Last evaluated: 2014-10-21. Review status: criteria provided, single submitter. Criteria: ACGS Guidelines, 2013. Collection method: clinical testing. Allele origin: germline. Affected: yes. Study: VKGL Data-share Consensus.

Women's Health and Genetics/Laboratory Corporation of America, LabCorp
Classification: Benign for Bardet-Biedl Syndrome. Last evaluated: 2011-08-18. Review status: criteria provided, single submitter. Criteria: LabCorp Variant Classification Summary - May 2015. Collection method: curation, clinical testing. Allele origin: germline. Inheritance: autosomal unknown. Affected: yes.
ClinVar note: Converted during submission from benign to Benign.

Breakthrough Genomics
Classification: Benign. Review status: criteria provided, single submitter. Criteria: ACMG Guidelines, 2015. Collection method: not provided. Allele origin: germline. Inheritance: Autosomal recessive inheritance. Affected: yes.